The following is an entry in ClinVar:

ClinVar aggregate classification (germline): Uncertain significance (1 of 4 stars; one submission).

Conditions:
Cardiovascular phenotype. Identifiers: MedGen CN230736.

gnomAD v4.1: 2 of 1,614,004 alleles (0.00012%); highest among the groups gnomAD compares: Non-Finnish European, 0.000085%; no homozygotes.

Submission:

Ambry Genetics
Classification: Uncertain significance for Cardiovascular phenotype. Last evaluated: 2025-12-21. Review status: criteria provided, single submitter. Criteria: Ambry Variant Classification Scheme 2023. Collection method: clinical testing. Allele origin: germline.
Comment: The p.M367T variant (also known as c.1100T>C), located in coding exon 10 of the ACTN2 gene, results from a T to C substitution at nucleotide position 1100. The methionine at codon 367 is replaced by threonine, an amino acid with similar properties. This amino acid position is conserved. In addition, the in silico prediction for this alteration is inconclusive. Based on the available evidence, the clinical significance of this variant remains unclear.

NM_001103.4(ACTN2):c.1100T>C (p.Met367Thr)

Gene: ACTN2 (actinin alpha 2; plus strand). Cytogenetic location: 1q43.
Variant type: single nucleotide variant.
Coding change: c.1100T>C on transcript NM_001103.4 (MANE Select); coding-DNA position 1100, T replaced by C.
Protein change: p.Met367Thr; replaces methionine 367 with threonine.
Molecular consequence: missense variant. On other transcripts: non-coding transcript variant (1).
Genome position (GRCh38, 1-based): chr1:236,739,525, T>C. VCF-style: chr1-236739525-T-C. GRCh37 (hg19) VCF-style: chr1-236902825-T-C.
Other names: c.1100T>C, p.Met367Thr (NM_001278343.2); short protein forms M367T.
Identifiers: ClinVar variation 4841432 (VCV004841432.1).
Genomic context (GRCh38, chr1:236,739,525, plus strand): 5'-CGCTGCAGACCAAGCTGCGGATCAGCAACCGTCCTGCCTTCATGCCCTCCGAGGGCAAGA[T>C]GGTGTCGGTGAGTAGCAAGCGCCAAGCCCTCCTGGCGCCACGGGAAGCCCTCCTTCTAGC-3'
Protein context (NP_001094.1, residues 357-377): RPAFMPSEGK[Met367Thr]VSDIAGAWQR